The following is an entry in ClinVar:

NM_000059.4(BRCA2):c.7024C>G (p.Gln2342Glu)

Gene: BRCA2 (BRCA2 DNA repair associated; plus strand). Cytogenetic location: 13q13.1.
Variant type: single nucleotide variant.
Coding change: c.7024C>G on transcript NM_000059.4 (MANE Select); coding-DNA position 7024, C replaced by G.
Protein change: p.Gln2342Glu; replaces glutamine 2342 with glutamic acid.
Molecular consequence: missense variant.
Genome position (GRCh38, 1-based): chr13:32,354,877, C>G. VCF-style: chr13-32354877-C-G. GRCh37 (hg19) VCF-style: chr13-32929014-C-G.
Other names: c.6928C>G, p.Gln2310Glu (NM_001406719.1); c.7024C>G, p.Gln2342Glu (NM_001406720.1); c.2092C>G, p.Gln698Glu (NM_001406721.1); c.607C>G, p.Gln203Glu (NM_001406722.1); short protein forms Q698E, Q2342E, Q203E, Q2310E.
Identifiers: ClinVar variation 1756738 (VCV001756738.2), dbSNP rs80358928, ClinGen allele CA387794125.

ClinVar aggregate classification (germline): Uncertain significance (1 of 4 stars; one submission).

Conditions:
Hereditary cancer-predisposing syndrome. Also called: Neoplastic Syndromes, Hereditary; Tumor predisposition; Hereditary Cancer Syndrome; Hereditary neoplastic syndrome. Identifiers: Orphanet 140162, MedGen C0027672, MeSH D009386, MONDO:0015356.

Allele frequency attached by ClinVar (database versions not stated): gnomAD exomes below 0.00001.
gnomAD v4.1: 2 of 1,600,492 alleles (0.00012%); highest among the groups gnomAD compares: Non-Finnish European, 0.00017%; no homozygotes.

Submission:

Ambry Genetics
Classification: Uncertain significance for Hereditary cancer-predisposing syndrome. Last evaluated: 2021-11-24. Review status: criteria provided, single submitter. Criteria: Ambry Variant Classification Scheme 2023. Collection method: clinical testing. Allele origin: germline.
Comment: The p.Q2342E variant (also known as c.7024C>G), located in coding exon 13 of the BRCA2 gene, results from a C to G substitution at nucleotide position 7024. The glutamine at codon 2342 is replaced by glutamic acid, an amino acid with highly similar properties. This amino acid position is conserved. In addition, the in silico prediction for this alteration is inconclusive. Since supporting evidence is limited at this time, the clinical significance of this alteration remains unclear.